The following is an entry in ClinVar:

NM_000428.3(LTBP2):c.2088C>G (p.Cys696Trp)

Gene: LTBP2 (latent transforming growth factor beta binding protein 2; minus strand). Cytogenetic location: 14q24.3.
Variant type: single nucleotide variant.
Coding change: c.2088C>G on transcript NM_000428.3 (MANE Select); coding-DNA position 2088, C replaced by G.
Protein change: p.Cys696Trp; replaces cysteine 696 with tryptophan.
Molecular consequence: missense variant.
Genome position (GRCh38, 1-based): chr14:74,529,022, G>C on the plus strand (C>G on the coding strand, the complement: LTBP2 is on the minus strand). VCF-style: chr14-74529022-G-C. GRCh37 (hg19) VCF-style: chr14-74995725-G-C.
Other names: short protein forms C696W.
Identifiers: ClinVar variation 2833963 (VCV002833963.3), dbSNP rs2506154266, ClinGen allele CA390395580.
Genomic context (GRCh38, chr14:74,529,022, plus strand): 5'-GCCAGGCAGAGGGCATTTCTCACACTCGCTGCCCCATGCTTTGCCCACGCGGCTGCAGCA[G>C]CATATCTGCTTGGTGATCCGCTGGGCCAAAGGCAGGGTGCAGGTGCCGGGCCCCAGCGAC-3'
Protein context (NP_000419.1, residues 686-706): PLAQRITKQI[Cys696Trp]CCSRVGKAWG

ClinVar aggregate classification (germline): Uncertain significance (1 of 4 stars; one submission).

Submission:

Labcorp Genetics (formerly Invitae), Labcorp
Classification: Uncertain significance. Last evaluated: 2023-02-02. Review status: criteria provided, single submitter. Criteria: Invitae Variant Classification Sherloc (09022015). Collection method: clinical testing. Allele origin: germline.
Comment: In summary, the available evidence is currently insufficient to determine the role of this variant in disease. Therefore, it has been classified as a Variant of Uncertain Significance. Algorithms developed to predict the effect of missense changes on protein structure and function are either unavailable or do not agree on the potential impact of this missense change (SIFT: "Deleterious"; PolyPhen-2: "Probably Damaging"; Align-GVGD: "Class C15"). This variant has not been reported in the literature in individuals affected with LTBP2-related conditions. This variant is not present in population databases (gnomAD no frequency). This sequence change replaces cysteine, which is neutral and slightly polar, with tryptophan, which is neutral and slightly polar, at codon 696 of the LTBP2 protein (p.Cys696Trp).